The following is an entry in ClinVar:

NM_001267550.2(TTN):c.60416A>G (p.Lys20139Arg)

Genes: TTN (titin; minus strand), TTN-AS1 (TTN antisense RNA 1; plus strand). Cytogenetic location: 2q31.2.
Variant type: single nucleotide variant.
Coding change: c.60416A>G on transcript NM_001267550.2 (MANE Select); coding-DNA position 60416, A replaced by G.
Protein change: p.Lys20139Arg; replaces lysine 20139 with arginine.
Molecular consequence: missense variant. On other transcripts: non-coding transcript variant (1).
Genome position (GRCh38, 1-based): chr2:178,591,309, T>C on the plus strand (A>G on the coding strand, the complement: TTN is on the minus strand). VCF-style: chr2-178591309-T-C. GRCh37 (hg19) VCF-style: chr2-179456036-T-C.
Other names: c.55493A>G, p.Lys18498Arg (NM_001256850.1); c.33221A>G, p.Lys11074Arg (NM_003319.4); c.52712A>G, p.Lys17571Arg (NM_133378.4); c.33596A>G, p.Lys11199Arg (NM_133432.3); c.33797A>G, p.Lys11266Arg (NM_133437.4); short protein forms K11074R, K11199R, K11266R, K17571R, K18498R, K20139R.
Identifiers: ClinVar variation 3770692 (VCV003770692.13).

ClinVar aggregate classification (germline): Uncertain significance (1 of 4 stars; one submission).

gnomAD v4.1: 3 of 1,613,298 alleles (0.00019%); highest among the groups gnomAD compares: Non-Finnish European, 0.00025%; no homozygotes.

Submission:

CeGaT Center for Human Genetics Tuebingen
Classification: Uncertain significance. Last evaluated: 2025-02-01. Review status: criteria provided, single submitter. Criteria: CeGaT Center For Human Genetics Tuebingen Variant Classification Criteria Version 2. Collection method: clinical testing. Allele origin: germline. Affected: yes. Observed: 1 variant allele.
Comment: TTN: PM2, BP4